The following is an entry in ClinVar:

NM_000128.4(F11):c.1192G>T (p.Glu398Ter)

Gene: F11 (coagulation factor XI; plus strand). Cytogenetic location: 4q35.2.
Variant type: single nucleotide variant.
Coding change: c.1192G>T on transcript NM_000128.4 (MANE Select); coding-DNA position 1192, G replaced by T.
Protein change: p.Glu398Ter; replaces glutamic acid 398 with a stop codon.
Molecular consequence: nonsense.
Genome position (GRCh38, 1-based): chr4:186,284,148, G>T. VCF-style: chr4-186284148-G-T. GRCh37 (hg19) VCF-style: chr4-187205302-G-T.
Other names: c.1144G>T, p.Glu382Ter (NM_001440590.1, NM_001440596.1); c.1192G>T, p.Glu398Ter (NM_001440593.1); c.922G>T, p.Glu308Ter (NM_001440605.1, NM_001440607.1); c.874G>T, p.Glu292Ter (NM_001440606.1, NM_001440608.1); short protein forms E292*, E308*, E382*, E398*.
Identifiers: ClinVar variation 4817483 (VCV004817483.1).

ClinVar aggregate classification (germline): Likely pathogenic (1 of 4 stars; one submission).

Conditions:
Plasma factor XI deficiency.

Submission:

Natera, Inc.
Classification: Likely pathogenic for Plasma factor XI deficiency. Last evaluated: 2025-07-07. Review status: criteria provided, single submitter. Criteria: Natera Variant Classification Schema (03/2026). Collection method: clinical testing. Allele origin: germline.
Comment: The c.1192G>T variant in F11 is a nonsense variant predicted to introduce a stop codon at amino acid 398. This variant is expected to result in nonsense mediated decay, truncation, or a dysfunctional protein product. This variant is rare in the general population with a frequency below the threshold expected for the associated phenotype(s). Given the available evidence, this variant is classified as Likely Pathogenic.